The following is an entry in ClinVar:

ClinVar aggregate classification (germline): Uncertain significance (1 of 4 stars; one submission).

gnomAD v4.1: 11 of 1,614,222 alleles (0.00068%); highest among the groups gnomAD compares: Middle Eastern, 0.017%; no homozygotes.

Submission:

Labcorp Genetics (formerly Invitae), Labcorp
Classification: Uncertain significance. Last evaluated: 2024-08-06. Review status: criteria provided, single submitter. Criteria: Invitae Variant Classification Sherloc (09022015). Collection method: clinical testing. Allele origin: germline.
Comment: This sequence change replaces methionine, which is neutral and non-polar, with threonine, which is neutral and polar, at codon 677 of the TNNI3K protein (p.Met677Thr). This variant is present in population databases (rs770875832, gnomAD 0.01%). This variant has not been reported in the literature in individuals affected with TNNI3K-related conditions. An algorithm developed to predict the effect of missense changes on protein structure and function (PolyPhen-2) suggests that this variant is likely to be disruptive. In summary, the available evidence is currently insufficient to determine the role of this variant in disease. Therefore, it has been classified as a Variant of Uncertain Significance.

NM_015978.3(TNNI3K):c.2030T>C (p.Met677Thr)

Genes: FPGT-TNNI3K (FPGT-TNNI3K readthrough; plus strand), TNNI3K (TNNI3 interacting kinase; plus strand). Cytogenetic location: 1p31.1.
Variant type: single nucleotide variant.
Coding change: c.2030T>C on transcript NM_015978.3 (MANE Select); coding-DNA position 2030, T replaced by C.
Protein change: p.Met677Thr; replaces methionine 677 with threonine.
Molecular consequence: missense variant.
Genome position (GRCh38, 1-based): chr1:74,463,459, T>C. VCF-style: chr1-74463459-T-C. GRCh37 (hg19) VCF-style: chr1-74929143-T-C.
Other names: c.2333T>C, p.Met778Thr (NM_001112808.3, NM_001199327.2); short protein forms M677T, M778T.
Identifiers: ClinVar variation 3672614 (VCV003672614.2).